The following is an entry in ClinVar:

ClinVar aggregate classification (germline): Uncertain significance (1 of 4 stars; one submission).

Submission:

GeneDx
Classification: Uncertain significance. Last evaluated: 2026-08-20. Review status: criteria provided, single submitter. Criteria: GeneDx Variant Classification Process June 2021. Collection method: clinical testing. Allele origin: germline.
Comment: Not observed at significant frequency in large population cohorts (gnomAD); In silico analysis supports that this missense variant has a deleterious effect on protein structure/function; Has not been previously published as pathogenic or benign to our knowledge

NM_001128840.3(CACNA1D):c.2599T>G (p.Phe867Val)

Gene: CACNA1D (calcium voltage-gated channel subunit alpha1 D; plus strand). Cytogenetic location: 3p21.1.
Variant type: single nucleotide variant.
Coding change: c.2599T>G on transcript NM_001128840.3 (MANE Select); coding-DNA position 2599, T replaced by G.
Protein change: p.Phe867Val; replaces phenylalanine 867 with valine.
Molecular consequence: missense variant.
Genome position (GRCh38, 1-based): chr3:53,732,940, T>G. VCF-style: chr3-53732940-T-G. GRCh37 (hg19) VCF-style: chr3-53766967-T-G.
Other names: c.2659T>G, p.Phe887Val (NM_000720.4); c.2599T>G, p.Phe867Val (NM_001128839.3); short protein forms F867V, F887V.
Identifiers: ClinVar variation 4086620 (VCV004086620.2).